The following is an entry in ClinVar:

ClinVar aggregate classification (germline): Uncertain significance. Review status: criteria provided, multiple submitters, no conflicts (2 of 4 stars). 2 submissions from 2 submitters: Uncertain significance (2). Last evaluated 2020-07-30.

Conditions:
Maturity-onset diabetes of the young (MODY). Also called: Maturity onset diabetes mellitus in young. Identifiers: Orphanet 552, MedGen C0342276, MONDO:0018911, HP:0004904.

Allele frequency attached by ClinVar (database versions not stated): gnomAD exomes below 0.00001; TOPMed 0.00001.
gnomAD v4.1: 1 of 1,614,244 alleles (0.000062%); highest among the groups gnomAD compares: Non-Finnish European, 0.000085%; no homozygotes.

Submissions (2):

Labcorp Genetics (formerly Invitae), Labcorp
Classification: Uncertain significance. Last evaluated: 2020-07-30. Review status: criteria provided, single submitter. Criteria: Invitae Variant Classification Sherloc (09022015). Collection method: clinical testing. Allele origin: germline.
Comment: In summary, the available evidence is currently insufficient to determine the role of this variant in disease. Therefore, it has been classified as a Variant of Uncertain Significance. Algorithms developed to predict the effect of missense changes on protein structure and function (SIFT, PolyPhen-2, Align-GVGD) all suggest that this variant is likely to be tolerated, but these predictions have not been confirmed by published functional studies and their clinical significance is uncertain. This variant has not been reported in the literature in individuals with HNF1A-related conditions. This variant is not present in population databases (ExAC no frequency). This sequence change replaces valine with isoleucine at codon 119 of the HNF1A protein (p.Val119Ile). The valine residue is highly conserved and there is a small physicochemical difference between valine and isoleucine.

Clinical Genomics, Uppaluri K&H Personalized Medicine Clinic
Classification: Uncertain significance for Maturity-onset diabetes of the young. Review status: criteria provided, single submitter. Criteria: K & H Uppaluri Personalized Medicine Clinic Variant Classification & Assertion Criteria_Updated V.1. Collection method: research. Allele origin: unknown. Inheritance: Autosomal dominant inheritance.
Comment: Mutations in HNF1A gene can predispose to MODY3. It is associated with both micro and macrovascular complications of diabetes, especially cardiovascular complications. Associated with glucosuria. May respond well to sulfonylureas. However, more evidence is required to confer the association of this particular variant rs1179591039 with MODY3.

Literature cited by the submitters: PubMed 31517624 (cited by Clinical Genomics, Uppaluri K&H Personalized Medicine Clinic); PubMed 32395877 (cited by Clinical Genomics, Uppaluri K&H Personalized Medicine Clinic); PubMed 35328643 (cited by Clinical Genomics, Uppaluri K&H Personalized Medicine Clinic); PubMed 35673428 (cited by Clinical Genomics, Uppaluri K&H Personalized Medicine Clinic).

NM_000545.8(HNF1A):c.355G>A (p.Val119Ile)

Gene: HNF1A (HNF1 homeobox A; plus strand). Cytogenetic location: 12q24.31.
Variant type: single nucleotide variant.
Coding change: c.355G>A on transcript NM_000545.8 (MANE Select); coding-DNA position 355, G replaced by A.
Protein change: p.Val119Ile; replaces valine 119 with isoleucine.
Molecular consequence: missense variant.
Genome position (GRCh38, 1-based): chr12:120,988,861, G>A. VCF-style: chr12-120988861-G-A. GRCh37 (hg19) VCF-style: chr12-121426664-G-A.
Other names: c.355G>A, p.Val119Ile (NM_001306179.2); short protein forms V119I.
Identifiers: ClinVar variation 1036297 (VCV001036297.9), dbSNP rs1179591039, ClinGen allele CA386959012.